The following is an entry in ClinVar:

ClinVar aggregate classification (germline): Uncertain significance (1 of 4 stars; one submission).

Allele frequency attached by ClinVar (database versions not stated): ExAC 0.00009.
gnomAD v4.1: 9 of 700,230 alleles (0.0013%); highest among the groups gnomAD compares: Admixed American, 0.01%; no homozygotes.

Submission:

Labcorp Genetics (formerly Invitae), Labcorp
Classification: Uncertain significance. Last evaluated: 2024-11-11. Review status: criteria provided, single submitter. Criteria: Invitae Variant Classification Sherloc (09022015). Collection method: clinical testing. Allele origin: germline.
Comment: This variant occurs in the RNU4ATAC gene, which encodes an RNA molecule that does not result in a protein product. This variant is present in population databases (rs754148812, gnomAD 0.02%). This variant has not been reported in the literature in individuals affected with RNU4ATAC-related conditions. ClinVar contains an entry for this variant (Variation ID: 1347025). Experimental studies and prediction algorithms are not available or were not evaluated, and the functional significance of this variant is currently unknown. In summary, the available evidence is currently insufficient to determine the role of this variant in disease. Therefore, it has been classified as a Variant of Uncertain Significance.

NC_000002.12:g.121530958A>G

Genes: CLASP1 (cytoplasmic linker associated protein 1; minus strand), CLASP1-AS1 (CLASP1 antisense RNA 1; plus strand), RNU4ATAC (RNA, U4atac small nuclear; plus strand). Cytogenetic location: 2q14.2.
Variant type: single nucleotide variant.
Molecular consequence: intron variant (on NM_001395891.1).
Genome position: GRCh38 VCF-style: chr2-121530958-A-G. GRCh37 (hg19) VCF-style: chr2-122288534-A-G.
Other names: c.196-633T>C (NM_001142274.2, NM_015282.3, NM_001378003.1 and 5 more transcripts).
Identifiers: ClinVar variation 1347025 (VCV001347025.5), dbSNP rs754148812, ClinGen allele CA1854723.